The following is an entry in ClinVar:

NM_004104.5(FASN):c.1906C>T (p.Pro636Ser)

Gene: FASN (fatty acid synthase; minus strand). Cytogenetic location: 17q25.3.
Variant type: single nucleotide variant.
Coding change: c.1906C>T on transcript NM_004104.5 (MANE Select); coding-DNA position 1906, C replaced by T.
Protein change: p.Pro636Ser; replaces proline 636 with serine.
Molecular consequence: missense variant.
Genome position (GRCh38, 1-based): chr17:82,089,691, G>A on the plus strand (C>T on the coding strand, the complement: FASN is on the minus strand). VCF-style: chr17-82089691-G-A. GRCh37 (hg19) VCF-style: chr17-80047567-G-A.
Other names: short protein forms P636S.
Identifiers: ClinVar variation 1044379 (VCV001044379.8), dbSNP rs768860580, ClinGen allele CA8852979.

ClinVar aggregate classification (germline): Uncertain significance (1 of 4 stars; one submission).

Conditions:
Epileptic encephalopathy. Identifiers: MedGen C0543888, HP:0200134.

Allele frequency attached by ClinVar (database versions not stated): gnomAD exomes below 0.00001; ExAC 0.00002.
gnomAD v4.1: 3 of 1,591,276 alleles (0.00019%); highest among the groups gnomAD compares: Non-Finnish European, 0.00026%; no homozygotes.

Submission:

Labcorp Genetics (formerly Invitae), Labcorp
Classification: Uncertain significance for Epileptic encephalopathy. Last evaluated: 2022-07-05. Review status: criteria provided, single submitter. Criteria: Invitae Variant Classification Sherloc (09022015). Collection method: clinical testing. Allele origin: germline.
Comment: In summary, the available evidence is currently insufficient to determine the role of this variant in disease. Therefore, it has been classified as a Variant of Uncertain Significance. Algorithms developed to predict the effect of missense changes on protein structure and function output the following: SIFT: "Tolerated"; PolyPhen-2: "Benign"; Align-GVGD: "Class C0". The serine amino acid residue is found in multiple mammalian species, which suggests that this missense change does not adversely affect protein function. ClinVar contains an entry for this variant (Variation ID: 1044379). This variant has not been reported in the literature in individuals affected with FASN-related conditions. This variant is present in population databases (rs768860580, gnomAD 0.001%). This sequence change replaces proline, which is neutral and non-polar, with serine, which is neutral and polar, at codon 636 of the FASN protein (p.Pro636Ser).